The following is an entry in ClinVar:

ClinVar aggregate classification (germline): Uncertain significance (1 of 4 stars; one submission).

Conditions:
Cardiovascular phenotype. Identifiers: MedGen CN230736.

Submission:

Ambry Genetics
Classification: Uncertain significance for Cardiovascular phenotype. Last evaluated: 2026-08-08. Review status: criteria provided, single submitter. Criteria: Ambry Variant Classification Scheme 2023. Collection method: clinical testing. Allele origin: germline.
Comment: The p.S842R variant (also known as c.2526C>G), located in coding exon 17 of the TRPM4 gene, results from a C to G substitution at nucleotide position 2526. The serine at codon 842 is replaced by arginine, an amino acid with dissimilar properties. This amino acid position is conserved. In addition, this alteration is predicted to be tolerated by in silico analysis. Based on the available evidence, the clinical significance of this variant remains unclear.

NM_017636.4(TRPM4):c.2526C>G (p.Ser842Arg)

Gene: TRPM4 (transient receptor potential cation channel subfamily M member 4; plus strand). Cytogenetic location: 19q13.33.
Variant type: single nucleotide variant.
Coding change: c.2526C>G on transcript NM_017636.4 (MANE Select); coding-DNA position 2526, C replaced by G.
Protein change: p.Ser842Arg; replaces serine 842 with arginine.
Molecular consequence: missense variant. On other transcripts: intron variant (1).
Genome position (GRCh38, 1-based): chr19:49,196,755, C>G. VCF-style: chr19-49196755-C-G. GRCh37 (hg19) VCF-style: chr19-49700012-C-G.
Other names: c.2211-3545C>G (NM_001195227.2); c.2181C>G, p.Ser727Arg (NM_001321281.2); c.918C>G, p.Ser306Arg (NM_001321282.2); c.2004C>G, p.Ser668Arg (NM_001321283.2); c.1464C>G, p.Ser488Arg (NM_001321285.2); short protein forms S488R, S727R, S842R, S668R, S306R.
Identifiers: ClinVar variation 5031155 (VCV005031155.1).